The following is an entry in ClinVar:

ClinVar aggregate classification (germline): Uncertain significance. Review status: criteria provided, multiple submitters, no conflicts (2 of 4 stars). 2 submissions from 2 submitters: Uncertain significance (2). Last evaluated 2025-03-04.

Conditions:
ERBIN-related disorder. Also called: ERBIN-related condition.

Allele frequency attached by ClinVar (database versions not stated): ExAC 0.00002; gnomAD 0.00004; gnomAD exomes 0.00004; TOPMed 0.00007.
gnomAD v4.1: 64 of 1,613,954 alleles (0.004%); highest among the groups gnomAD compares: Admixed American, 0.0083%; no homozygotes.

Submissions (2):

Labcorp Genetics (formerly Invitae), Labcorp
Classification: Uncertain significance. Last evaluated: 2025-03-04. Review status: criteria provided, single submitter. Criteria: Invitae Variant Classification Sherloc (09022015). Collection method: clinical testing. Allele origin: germline.
Comment: This sequence change replaces isoleucine, which is neutral and non-polar, with threonine, which is neutral and polar, at codon 979 of the ERBIN protein (p.Ile979Thr). This variant is present in population databases (rs746834909, gnomAD 0.009%). This variant has not been reported in the literature in individuals affected with ERBIN-related conditions. ClinVar contains an entry for this variant (Variation ID: 2885539). An algorithm developed to predict the effect of missense changes on protein structure and function (PolyPhen-2) suggests that this variant is likely to be tolerated. In summary, the available evidence is currently insufficient to determine the role of this variant in disease. Therefore, it has been classified as a Variant of Uncertain Significance.

PreventionGenetics, part of Exact Sciences
Classification: Uncertain significance for ERBIN-related condition. Last evaluated: 2024-11-27. Review status: criteria provided, single submitter. Criteria: ACMG Guidelines, 2015. Collection method: clinical testing. Allele origin: germline.
Comment: The ERBIN c.2936T>C variant is predicted to result in the amino acid substitution p.Ile979Thr. To our knowledge, this variant has not been reported in the literature. This variant is reported in 0.0087% of alleles in individuals of Latino descent in gnomAD. At this time, the clinical significance of this variant is uncertain due to the absence of conclusive functional and genetic evidence.

NM_001253697.2(ERBIN):c.2936T>C (p.Ile979Thr)

Gene: ERBIN (erbb2 interacting protein; plus strand). Cytogenetic location: 5q12.3.
Variant type: single nucleotide variant.
Coding change: c.2936T>C on transcript NM_001253697.2 (MANE Select); coding-DNA position 2936, T replaced by C.
Protein change: p.Ile979Thr; replaces isoleucine 979 with threonine.
Molecular consequence: missense variant.
Genome position (GRCh38, 1-based): chr5:66,054,254, T>C. VCF-style: chr5-66054254-T-C. GRCh37 (hg19) VCF-style: chr5-65350082-T-C.
Other names: c.2936T>C (NM_001006600.2); c.2936T>C, p.Ile979Thr (NM_001006600.3, NM_001253698.2, NM_001253699.2 and 1 more transcripts); c.2924T>C, p.Ile975Thr (NM_001253701.2); short protein forms I979T, I975T.
Identifiers: ClinVar variation 2885539 (VCV002885539.4), dbSNP rs746834909, ClinGen allele CA3286566.